The following is an entry in ClinVar:

ClinVar aggregate classification (germline): Pathogenic (1 of 4 stars; one submission).

Submission:

Labcorp Genetics (formerly Invitae), Labcorp
Classification: Pathogenic. Last evaluated: 2024-12-19. Review status: criteria provided, single submitter. Criteria: Invitae Variant Classification Sherloc (09022015). Collection method: clinical testing. Allele origin: germline.
Comment: This sequence change creates a premature translational stop signal (p.Asp147Valfs*117) in the FLVCR1 gene. It is expected to result in an absent or disrupted protein product. Loss-of-function variants in FLVCR1 are known to be pathogenic (PMID: 23591405, 27923065). This variant is not present in population databases (gnomAD no frequency). This variant has not been reported in the literature in individuals affected with FLVCR1-related conditions. For these reasons, this variant has been classified as Pathogenic.

Literature cited by the submitters: PubMed 23591405; PubMed 27923065.

NM_014053.4(FLVCR1):c.440_447del (p.Asp147fs)

Gene: FLVCR1 (FLVCR choline and heme transporter 1; plus strand). Cytogenetic location: 1q32.3.
Variant type: Deletion.
Coding change: c.440_447del on transcript NM_014053.4 (MANE Select); coding-DNA positions 440 to 447, 8 bases deleted (ACTGGCTG; older notation c.440_447delACTGGCTG).
Protein change: p.Asp147fs; shifts the reading frame from aspartic acid 147.
Molecular consequence: frameshift variant.
Genome position (GRCh38, 1-based): chr1:212,858,892-212,858,899, ACTGGCTG deleted; deleting any 8 consecutive bases within chr1:212,858,891-212,858,899 gives the same sequence; the c. name uses the placement nearest the transcript's 3' end. VCF-style (leftmost placement, unchanged base first): chr1-212858890-CGACTGGCT-C. GRCh37 (hg19) VCF-style: chr1-213032232-CGACTGGCT-C.
Other names: short protein forms D147fs.
Identifiers: ClinVar variation 3725377 (VCV003725377.2).